The following is an entry in ClinVar:

NM_001430.5(EPAS1):c.784A>G (p.Thr262Ala)

Gene: EPAS1 (endothelial PAS domain protein 1; plus strand). Cytogenetic location: 2p21.
Variant type: single nucleotide variant.
Coding change: c.784A>G on transcript NM_001430.5 (MANE Select); coding-DNA position 784, A replaced by G.
Protein change: p.Thr262Ala; replaces threonine 262 with alanine.
Molecular consequence: missense variant.
Genome position (GRCh38, 1-based): chr2:46,369,831, A>G. VCF-style: chr2-46369831-A-G. GRCh37 (hg19) VCF-style: chr2-46596970-A-G.
Other names: short protein forms T262A.
Identifiers: ClinVar variation 3275747 (VCV003275747.2).

ClinVar aggregate classification (germline): Uncertain significance (1 of 4 stars; one submission).

Conditions:
Inborn genetic diseases. Identifiers: MedGen C0950123, MeSH D030342.

Submission:

Ambry Genetics
Classification: Uncertain significance for Inborn genetic diseases. Last evaluated: 2024-08-11. Review status: criteria provided, single submitter. Criteria: Ambry Variant Classification Scheme 2023. Collection method: clinical testing. Allele origin: germline.
Comment: The p.T262A variant (also known as c.784A>G), located in coding exon 7 of the EPAS1 gene, results from an A to G substitution at nucleotide position 784. The threonine at codon 262 is replaced by alanine, an amino acid with similar properties. This amino acid position is conserved. In addition, this alteration is predicted to be tolerated by in silico analysis. Based on the available evidence, the clinical significance of this variant remains unclear.